The following is an entry in ClinVar:

ClinVar aggregate classification (germline): Uncertain significance (1 of 4 stars; one submission).

gnomAD v4.1: 1 of 1,612,616 alleles (0.000062%); highest among the groups gnomAD compares: Non-Finnish European, 0.000085%; no homozygotes.

Submission:

Labcorp Genetics (formerly Invitae), Labcorp
Classification: Uncertain significance. Last evaluated: 2023-11-19. Review status: criteria provided, single submitter. Criteria: Invitae Variant Classification Sherloc (09022015). Collection method: clinical testing. Allele origin: germline.
Comment: This sequence change replaces proline, which is neutral and non-polar, with alanine, which is neutral and non-polar, at codon 1129 of the CACNA1E protein (p.Pro1129Ala). This variant is not present in population databases (gnomAD no frequency). This variant has not been reported in the literature in individuals affected with CACNA1E-related conditions. Advanced modeling of protein sequence and biophysical properties (such as structural, functional, and spatial information, amino acid conservation, physicochemical variation, residue mobility, and thermodynamic stability) has been performed at Invitae for this missense variant, however the output from this modeling did not meet the statistical confidence thresholds required to predict the impact of this variant on CACNA1E protein function. In summary, the available evidence is currently insufficient to determine the role of this variant in disease. Therefore, it has been classified as a Variant of Uncertain Significance.

NM_001205293.3(CACNA1E):c.3385C>G (p.Pro1129Ala)

Gene: CACNA1E (calcium voltage-gated channel subunit alpha1 E; plus strand). Cytogenetic location: 1q25.3.
Variant type: single nucleotide variant.
Coding change: c.3385C>G on transcript NM_001205293.3 (MANE Select); coding-DNA position 3385, C replaced by G.
Protein change: p.Pro1129Ala; replaces proline 1129 with alanine.
Molecular consequence: missense variant.
Genome position (GRCh38, 1-based): chr1:181,736,397, C>G. VCF-style: chr1-181736397-C-G. GRCh37 (hg19) VCF-style: chr1-181705533-C-G.
Other names: c.3385C>G, p.Pro1129Ala (NM_000721.4); c.3328C>G, p.Pro1110Ala (NM_001205294.2); short protein forms P1110A, P1129A.
Identifiers: ClinVar variation 2878236 (VCV002878236.3), dbSNP rs753850027, ClinGen allele CA343621703.